The following is an entry in ClinVar:

ClinVar aggregate classification (germline): Pathogenic (1 of 4 stars; one submission).

Conditions:
Familial adenomatous polyposis 1 (FAP1). Also called: FAMILIAL ADENOMATOUS POLYPOSIS 1, ATTENUATED; POLYPOSIS, ADENOMATOUS INTESTINAL. Identifiers: MedGen C2713442, MONDO:0021056, OMIM 175100. Disease mechanism: loss of function.

Submission:

Myriad Genetics, Inc.
Classification: Pathogenic for Familial adenomatous polyposis 1. Last evaluated: 2023-05-05. Review status: criteria provided, single submitter. Criteria: Myriad Autosomal Dominant, Autosomal Recessive and X-Linked Classification Criteria (2023). Collection method: clinical testing. Allele origin: unknown.
Comment: This variant is considered pathogenic. This variant creates a termination codon and is predicted to result in premature protein truncation.

NM_000038.6(APC):c.2863G>T (p.Glu955Ter)

Gene: APC (APC regulator of Wnt signaling pathway; plus strand). Cytogenetic location: 5q22.2.
Variant type: single nucleotide variant.
Coding change: c.2863G>T on transcript NM_000038.6 (MANE Select); coding-DNA position 2863, G replaced by T.
Protein change: p.Glu955Ter; replaces glutamic acid 955 with a stop codon.
Molecular consequence: nonsense. On other transcripts: non-coding transcript variant (2).
Genome position (GRCh38, 1-based): chr5:112,838,457, G>T. VCF-style: chr5-112838457-G-T. GRCh37 (hg19) VCF-style: chr5-112174154-G-T.
Other names: c.2917G>T, p.Glu973Ter (NM_001354896.2, NM_001407447.1, NM_001407448.1 and 1 more transcripts); c.2893G>T, p.Glu965Ter (NM_001354897.2); c.2560G>T, p.Glu854Ter (NM_001354903.2, NM_001407458.1, NM_001407459.1 and 1 more transcripts); c.2788G>T, p.Glu930Ter (NM_001354898.2); c.2686G>T, p.Glu896Ter (NM_001354901.2, NM_001407453.1); c.2779G>T, p.Glu927Ter (NM_001354899.2); c.2740G>T, p.Glu914Ter (NM_001354900.2); c.2590G>T, p.Glu864Ter (NM_001354902.2); and 11 more; short protein forms E571*, E672*, E795*, E826*, E829*, E854*, E864*, E872*.
Identifiers: ClinVar variation 2584048 (VCV002584048.1), dbSNP rs2149879006, ClinGen allele CA16027576.